The following is an entry in ClinVar:

NM_002691.4(POLD1):c.898_899delinsTT (p.Pro300Leu)

Gene: POLD1 (DNA polymerase delta 1, catalytic subunit; plus strand). Cytogenetic location: 19q13.33.
Variant type: Indel.
Coding change: c.898_899delinsTT on transcript NM_002691.4 (MANE Select); coding-DNA positions 898 to 899, CC replaced by TT.
Protein change: p.Pro300Leu; replaces proline 300 with leucine.
Molecular consequence: missense variant. On other transcripts: non-coding transcript variant (1).
Genome position (GRCh38, 1-based): chr19:50,402,669-50,402,670, CC replaced by TT. VCF-style: chr19-50402669-CC-TT. GRCh37 (hg19) VCF-style: chr19-50905926-CC-TT.
Other names: c.898_899delinsTT, p.Pro300Leu (NM_001256849.1, NM_001308632.1); c.898_899delCCinsTT (NM_002691.2); short protein forms P300L.
Identifiers: ClinVar variation 408010 (VCV000408010.21), dbSNP rs1060501821, ClinGen allele CA16616342.

ClinVar aggregate classification (germline): Uncertain significance. Review status: criteria provided, multiple submitters, no conflicts (2 of 4 stars). 6 submissions from 6 submitters: Uncertain significance (6). Last evaluated 2026-01-28.

Conditions:
Hereditary cancer-predisposing syndrome. Also called: Neoplastic Syndromes, Hereditary; Hereditary neoplastic syndrome; Hereditary Cancer Syndrome; Tumor predisposition. Identifiers: Orphanet 140162, MedGen C0027672, MeSH D009386, MONDO:0015356.
POLD1-related polyposis and colorectal cancer syndrome (CRCS10). Also called: Colorectal cancer, susceptibility to, 10; Colorectal cancer 10; COLORECTAL CANCER, SUSCEPTIBILITY TO, ON CHROMOSOME 19q. Identifiers: Orphanet 220460, MedGen C2675481, MONDO:0012953, OMIM 612591.

Submissions (6):

Labcorp Genetics (formerly Invitae), Labcorp
Classification: Uncertain significance for POLD1-related polyposis and colorectal cancer syndrome. Last evaluated: 2026-01-28. Review status: criteria provided, single submitter. Criteria: Invitae Variant Classification Sherloc (09022015). Collection method: clinical testing. Allele origin: germline.
Comment: This sequence change replaces proline, which is neutral and non-polar, with leucine, which is neutral and non-polar, at codon 300 of the POLD1 protein (p.Pro300Leu). This variant is present in population databases (no rsID available, gnomAD 0.002%). This variant has not been reported in the literature in individuals affected with POLD1-related conditions. ClinVar contains an entry for this variant (Variation ID: 408010). An algorithm developed to predict the effect of missense changes on protein structure and function (PolyPhen-2) suggests that this variant is likely to be disruptive. In summary, the available evidence is currently insufficient to determine the role of this variant in disease. Therefore, it has been classified as a Variant of Uncertain Significance.

St. Jude Molecular Pathology, St. Jude Children's Research Hospital
Classification: Uncertain significance for POLD1-related polyposis and colorectal cancer syndrome. Last evaluated: 2025-06-17. Review status: criteria provided, single submitter. Criteria: St. Jude Assertion Criteria 2020. Collection method: clinical testing. Allele origin: germline.
Comment: The POLD1 c.898_899delinsTT p.(Pro300Leu) change deletes two nucleotides and inserts two different nucleotides at position 898 to 899 to cause the substitution of the proline residue for a leucine residue at codon 300. In silico evaluation of the impact of this variant on protein function cannot be determined and functional studies have not been performed. To our knowledge, this variant has not been reported in individuals with POLD1-related disease. In summary, the evidence currently available is insufficient to determine the clinical significance of this variant. It has therefore been classified as of uncertain significance.

Ambry Genetics
Classification: Uncertain significance for Hereditary cancer-predisposing syndrome. Last evaluated: 2024-12-18. Review status: criteria provided, single submitter. Criteria: Ambry Variant Classification Scheme 2023. Collection method: clinical testing. Allele origin: germline.
Comment: The c.898_899delCCinsTT variant (also known as p.P300L), located in coding exon 7 of the POLD1 gene, results from an in-frame deletion of CC and insertion of TT at nucleotide positions 898 to 899. This results in the substitution of the proline residue for a leucine residue at codon 300, an amino acid with similar properties. Based on data from gnomAD, the TT allele has an overall frequency of 0.0019% (5/260818) total alleles studied. The highest observed frequency was 0.0042% (5/118308) of European (non-Finnish) alleles. In addition, this alteration is predicted to be deleterious by in silico analysis (Choi Y et al. PLoS ONE. 2012; 7(10):e46688). Based on the available evidence, the clinical significance of this variant remains unclear.

Women's Health and Genetics/Laboratory Corporation of America, LabCorp
Classification: Uncertain significance. Last evaluated: 2023-09-03. Review status: criteria provided, single submitter. Criteria: LabCorp Variant Classification Summary - May 2015. Collection method: clinical testing. Allele origin: germline.
Comment: Variant summary: POLD1 c.898_899delinsTT (p.Pro300Leu) is a multinucleotide variant combination of 19-50905926-C-T (c.898C>T, p.Pro300Ser) and 19-50905927-C-T (c.899C>T, p.Pro300Leu) that results in a non-conservative amino acid change located in the DNA-directed DNA polymerase, family B, exonuclease domain (IPR006133) of the encoded protein sequence. Three of five in-silico tools predict a benign effect of the variant on protein function. The variant allele was found at a frequency of 1.9e-05 in 260818 control chromosomes (gnomAD, position 19-50905926-C-T used). The available data on variant occurrences in the general population are insufficient to allow any conclusion about variant significance. To our knowledge, no occurrence of c.898_899delinsTT in individuals affected with Colorectal Cancer and no experimental evidence demonstrating its impact on protein function have been reported. Three submitters have cited clinical-significance assessments for this variant to ClinVar after 2014. All submitters classified the variant as uncertain significance. Based on the evidence outlined above, the variant was classified as uncertain significance.

GeneDx
Classification: Uncertain significance. Last evaluated: 2023-02-27. Review status: criteria provided, single submitter. Criteria: GeneDx Variant Classification Process June 2021. Collection method: clinical testing. Allele origin: germline. Affected: yes.
Comment: In silico analysis supports a deleterious effect on protein structure/function; Has not been previously published as pathogenic or benign to our knowledge

Quest Diagnostics Nichols Institute San Juan Capistrano
Classification: Uncertain significance. Last evaluated: 2017-06-16. Review status: criteria provided, single submitter. Criteria: Quest Diagnostics criteria. Collection method: clinical testing. Allele origin: germline.